The following is an entry in ClinVar:

NM_004371.4(COPA):c.3100C>A (p.Leu1034Ile)

Gene: COPA (coat protein complex I subunit alpha; minus strand). Cytogenetic location: 1q23.2.
Variant type: single nucleotide variant.
Coding change: c.3100C>A on transcript NM_004371.4 (MANE Select); coding-DNA position 3100, C replaced by A.
Protein change: p.Leu1034Ile; replaces leucine 1034 with isoleucine.
Molecular consequence: missense variant.
Genome position (GRCh38, 1-based): chr1:160,292,059, G>T on the plus strand (C>A on the coding strand, the complement: COPA is on the minus strand). VCF-style: chr1-160292059-G-T. GRCh37 (hg19) VCF-style: chr1-160261849-G-T.
Other names: c.3127C>A, p.Leu1043Ile (NM_001098398.2); short protein forms L1034I, L1043I.
Identifiers: ClinVar variation 1476580 (VCV001476580.6), dbSNP rs2101820791, ClinGen allele CA343272238.

ClinVar aggregate classification (germline): Uncertain significance (1 of 4 stars; one submission).

Conditions:
Autoimmune interstitial lung disease-arthritis syndrome. Also called: Autoinflammation and autoimmunity, systemic, with immune dysregulation. Identifiers: Orphanet 444092, MedGen C5975714, MONDO:0014629.

Submission:

Labcorp Genetics (formerly Invitae), Labcorp
Classification: Uncertain significance for Autoimmune interstitial lung disease-arthritis syndrome. Last evaluated: 2021-10-20. Review status: criteria provided, single submitter. Criteria: Invitae Variant Classification Sherloc (09022015). Collection method: clinical testing. Allele origin: germline.
Comment: In summary, the available evidence is currently insufficient to determine the role of this variant in disease. Therefore, it has been classified as a Variant of Uncertain Significance. Advanced modeling of protein sequence and biophysical properties (such as structural, functional, and spatial information, amino acid conservation, physicochemical variation, residue mobility, and thermodynamic stability) performed at Invitae indicates that this missense variant is not expected to disrupt COPA protein function. This variant has not been reported in the literature in individuals affected with COPA-related conditions. This variant is not present in population databases (ExAC no frequency). This sequence change replaces leucine with isoleucine at codon 1034 of the COPA protein (p.Leu1034Ile). The leucine residue is highly conserved and there is a small physicochemical difference between leucine and isoleucine.